The following is an entry in ClinVar:

ClinVar aggregate classification (germline): Likely benign (1 of 4 stars; one submission).

Conditions:
SC5D-related disorder. Also called: SC5D-related condition.

gnomAD v4.1: 1 of 1,613,956 alleles (0.000062%); highest among the groups gnomAD compares: African/African-American, 0.0013%; no homozygotes.

Submission:

PreventionGenetics, part of Exact Sciences
Classification: Likely benign for SC5D-related condition. Last evaluated: 2026-03-30. Review status: criteria provided, single submitter. Criteria: ACMG Guidelines, 2015. Collection method: clinical testing. Allele origin: germline.
Comment: This variant is classified as likely benign based on ACMG/AMP sequence variant interpretation guidelines (Richards et al. 2015 PMID: 25741868, with internal and published modifications).

NM_006918.5(SC5D):c.747G>A (p.Arg249=)

Gene: SC5D (sterol-C5-desaturase; plus strand). Cytogenetic location: 11q24.1.
Variant type: single nucleotide variant.
Coding change: c.747G>A on transcript NM_006918.5 (MANE Select); coding-DNA position 747, G replaced by A.
Protein change: p.Arg249=; no amino-acid change (arginine 249 retained).
Molecular consequence: synonymous variant.
Genome position (GRCh38, 1-based): chr11:121,307,359, G>A. VCF-style: chr11-121307359-G-A. GRCh37 (hg19) VCF-style: chr11-121178068-G-A.
Other names: c.747G>A, p.Arg249= (NM_001024956.3).
Identifiers: ClinVar variation 4996113 (VCV004996113.1).